The following is an entry in ClinVar:

ClinVar aggregate classification (germline): Benign. Review status: criteria provided, multiple submitters, no conflicts (2 of 4 stars). 3 submissions from 3 submitters: Benign (2). 1 of the submissions does not count toward it. Last evaluated 2018-09-19.

Conditions:
XIRP2-related disorder. Also called: XIRP2-related condition.

Allele frequency attached by ClinVar (database versions not stated): ESP Exome Variant Server 0.00009; gnomAD 0.00089 and 0.00168; gnomAD exomes 0.00168 and 0.00301; TOPMed 0.00176; ExAC 0.00302; 1000 Genomes Project 30x 0.00921; 1000 Genomes Project 0.01038.
gnomAD v4.1: 2,697 of 1,610,962 alleles (0.17%); highest among the groups gnomAD compares: East Asian, 5.6%; 80 homozygotes.

Submissions (3):

Labcorp Genetics (formerly Invitae), Labcorp
Classification: Benign. Last evaluated: 2018-09-19. Review status: criteria provided, single submitter. Criteria: Invitae Variant Classification Sherloc (09022015). Collection method: clinical testing. Allele origin: germline.

Breakthrough Genomics
Classification: Benign. Review status: criteria provided, single submitter. Criteria: ACMG Guidelines, 2015. Collection method: not provided. Allele origin: germline. Inheritance: Unknown mechanism. Affected: yes.

PreventionGenetics, part of Exact Sciences
Classification: Benign for XIRP2-related condition. Last evaluated: 2019-03-27. Review status: no assertion criteria provided. Collection method: clinical testing. Allele origin: germline. Not counted in ClinVar's aggregate classification.
Comment: This variant is classified as benign based on ACMG/AMP sequence variant interpretation guidelines (Richards et al. 2015 PMID: 25741868, with internal and published modifications).

NM_152381.6(XIRP2):c.3668T>C (p.Ile1223Thr)

Gene: XIRP2 (xin actin binding repeat containing 2; plus strand). Cytogenetic location: 2q24.3.
Variant type: single nucleotide variant.
Coding change: c.3668T>C on transcript NM_152381.6 (MANE Select); coding-DNA position 3668, T replaced by C.
Protein change: p.Ile1223Thr; replaces isoleucine 1223 with threonine.
Molecular consequence: missense variant. On other transcripts: intron variant (3).
Genome position (GRCh38, 1-based): chr2:167,245,060, T>C. VCF-style: chr2-167245060-T-C. GRCh37 (hg19) VCF-style: chr2-168101570-T-C.
Other names: c.3002T>C, p.Ile1001Thr (NM_001199144.2); c.1275+3150T>C (NM_001199143.2); c.1176+3150T>C (NM_001079810.4); c.510+3150T>C (NM_001199145.2); c.3668T>C (NM_152381.5); short protein forms I1223T, I1001T.
Identifiers: ClinVar variation 728645 (VCV000728645.6), dbSNP rs75802875, ClinGen allele CA1946895.